The following is an entry in ClinVar:

ClinVar aggregate classification (germline): Uncertain significance (1 of 4 stars; one submission).

Conditions:
Holoprosencephaly 11 (HPE11). Identifiers: Orphanet 2162, MedGen C3280215, MONDO:0013642, OMIM 614226.

Submission:

Dasa
Classification: Uncertain significance for Holoprosencephaly 11. Last evaluated: 2025-01-14. Review status: criteria provided, single submitter. Criteria: DASA Assertion Criteria. Collection method: clinical testing. Allele origin: germline.
Comment: NM_001378964.1(CDON):c.3631+1G>A affects a canonical splice site and is predicted to disrupt normal RNA splicing. This variant is absent from population databases. The currently available literature and clinical evidence are not sufficient to establish a definitive association between this variant and the reported condition. Therefore, this variant is classified as a variant of uncertain significance.

NM_001378964.1(CDON):c.3631+1G>A

Gene: CDON (cell adhesion associated, oncogene regulated; minus strand). Cytogenetic location: 11q24.2.
Variant type: single nucleotide variant.
Coding change: c.3631+1G>A on transcript NM_001378964.1 (MANE Select); the canonical splice donor site of the intron after coding-DNA position 3631, G replaced by A.
Molecular consequence: splice donor variant. On other transcripts: missense variant (3).
Genome position (GRCh38, 1-based): chr11:125,961,723, C>T on the plus strand (G>A on the coding strand, the complement: CDON is on the minus strand). VCF-style: chr11-125961723-C-T. GRCh37 (hg19) VCF-style: chr11-125831618-C-T.
Other names: c.3632G>A, p.Gly1211Asp (NM_001243597.3, NM_001441161.1, NM_001441162.1); c.3631+1G>A (NM_001441166.1, NM_016952.6, NM_001441164.1 and 2 more transcripts); short protein forms G1211D.
Identifiers: ClinVar variation 4882664 (VCV004882664.2).